The following is an entry in ClinVar:

NM_000271.5(NPC1):c.2291C>A (p.Ala764Glu)

Gene: NPC1 (NPC intracellular cholesterol transporter 1; minus strand). Cytogenetic location: 18q11.2.
Variant type: single nucleotide variant.
Coding change: c.2291C>A on transcript NM_000271.5 (MANE Select); coding-DNA position 2291, C replaced by A.
Protein change: p.Ala764Glu; replaces alanine 764 with glutamic acid.
Molecular consequence: missense variant.
Genome position (GRCh38, 1-based): chr18:23,541,388, G>T on the plus strand (C>A on the coding strand, the complement: NPC1 is on the minus strand). VCF-style: chr18-23541388-G-T. GRCh37 (hg19) VCF-style: chr18-21121352-G-T.
Other names: short protein forms A764E.
Identifiers: ClinVar variation 1710501 (VCV001710501.3), dbSNP rs773765255, ClinGen allele CA401793756.

ClinVar aggregate classification (germline): Pathogenic (1 of 4 stars; one submission).

Conditions:
Niemann-Pick disease, type C2 (NPC2). Identifiers: Orphanet 646, MedGen C1843366, MONDO:0011873, OMIM 607625.

Submission:

Foundation for Research in Genetics and Endocrinology, FRIGE's Institute of Human Genetics
Classification: Pathogenic for Niemann-Pick disease, type C2. Last evaluated: 2022-08-25. Review status: criteria provided, single submitter. Criteria: ACMG Guidelines, 2015. Collection method: clinical testing. Allele origin: germline. Inheritance: Autosomal recessive inheritance. Affected: yes. Observed: 1 homozygote.
Comment: A homozygous missense variation in exon 15 of the gene NPC1 that results in the amino acid substitution of glutamine for alanine at codon 764 was detected. The observed variant c.2291C>A (p.Ala764Glu) has not been reported in the 1000 genomes and gnomAD databases . The in silico prediction of the variant are possibly damaging by Mutation Taster, and SIFT. The reference codon is conserved across species. Therefore, the variant meets our criteria to be classified as pathogenic based on absence from controls and in silico prediction models.